The following is an entry in ClinVar:

NM_000218.3(KCNQ1):c.937A>G (p.Ile313Val)

Gene: KCNQ1 (potassium voltage-gated channel subfamily Q member 1; plus strand). Cytogenetic location: 11p15.5.
Variant type: single nucleotide variant.
Coding change: c.937A>G on transcript NM_000218.3 (MANE Select); coding-DNA position 937, A replaced by G.
Protein change: p.Ile313Val; replaces isoleucine 313 with valine.
Molecular consequence: missense variant.
Genome position (GRCh38, 1-based): chr11:2,583,450, A>G. VCF-style: chr11-2583450-A-G. GRCh37 (hg19) VCF-style: chr11-2604680-A-G.
Other names: c.937A>G, p.Ile313Val (NM_001406836.1); c.667A>G, p.Ile223Val (NM_001406837.1); c.493A>G, p.Ile165Val (NM_001406838.1); c.556A>G, p.Ile186Val (NM_181798.2); short protein forms I165V, I186V, I223V, I313V.
Identifiers: ClinVar variation 3386928 (VCV003386928.1).

ClinVar aggregate classification (germline): Uncertain significance (1 of 4 stars; one submission).

Conditions:
Long QT syndrome (LQTS). Identifiers: MedGen C0023976, MeSH D008133, MONDO:0002442. Disease mechanism: loss of function. Inheritance: Various modes of inheritance.

Submission:

All of Us Research Program, National Institutes of Health
Classification: Uncertain significance for Long QT syndrome. Last evaluated: 2024-02-22. Review status: criteria provided, single submitter. Criteria: ACMG Guidelines, 2015. Collection method: clinical testing. Allele origin: germline. Inheritance: Autosomal dominant inheritance. Observed: 1 variant allele, 1 heterozygote.
Comment: This missense variant replaces isoleucine with valine at codon 313 of the KCNQ1 protein. Computational prediction suggests that this variant may have deleterious impact on protein structure and function (internally defined REVEL score threshold >= 0.7, PMID: 27666373). To our knowledge, functional studies have not been reported for this variant. This variant has not been reported in individuals affected with KCNQ1-related disorders in the literature. This variant has not been identified in the general population by the Genome Aggregation Database (gnomAD). The available evidence is insufficient to determine the role of this variant in disease conclusively. Therefore, this variant is classified as a Variant of Uncertain Significance.

This study involves interpretation of variants in research participants for the purpose of population health screening. Participant phenotype was not available at the time of variant classification. Additional details can be found in publication PMID: 35346344, PMCID: PMC8962531